The following is an entry in ClinVar:

ClinVar aggregate classification (germline): Uncertain significance. Review status: criteria provided, single submitter (1 of 4 stars). 2 submissions from 2 submitters: Uncertain significance (1). 1 of the submissions does not count toward it. Last evaluated 2021-08-26.

Conditions:
Glycogen storage disease type III (GSD3). Also called: Cori disease; FORBES DISEASE. Identifiers: Orphanet 366, MedGen C0017922, MONDO:0009291, OMIM 232400.

Allele frequency attached by ClinVar (database versions not stated): gnomAD 0.00001; gnomAD exomes 0.00001; TOPMed 0.00001.
gnomAD v4.1: 9 of 1,613,942 alleles (0.00056%); highest among the groups gnomAD compares: Non-Finnish European, 0.00068%; no homozygotes.

Submissions (2):

Labcorp Genetics (formerly Invitae), Labcorp
Classification: Uncertain significance for Glycogen storage disease type III. Last evaluated: 2021-08-26. Review status: criteria provided, single submitter. Criteria: Invitae Variant Classification Sherloc (09022015). Collection method: clinical testing. Allele origin: germline.
Comment: This sequence change replaces asparagine with serine at codon 240 of the AGL protein (p.Asn240Ser). The asparagine residue is moderately conserved and there is a small physicochemical difference between asparagine and serine. This variant is not present in population databases (ExAC no frequency). This variant has not been reported in the literature in individuals affected with AGL-related conditions. Algorithms developed to predict the effect of missense changes on protein structure and function are either unavailable or do not agree on the potential impact of this missense change (SIFT: "Tolerated"; PolyPhen-2: "Possibly Damaging"; Align-GVGD: "Class C0"). In summary, the available evidence is currently insufficient to determine the role of this variant in disease. Therefore, it has been classified as a Variant of Uncertain Significance.

Natera, Inc.
Classification: Uncertain significance for Glycogen storage disease type III. Last evaluated: 2025-04-24. Review status: no assertion criteria provided. Collection method: clinical testing. Allele origin: germline. Not counted in ClinVar's aggregate classification.

NM_000642.3(AGL):c.719A>G (p.Asn240Ser)

Gene: AGL (amylo-alpha-1,6-glucosidase and 4-alpha-glucanotransferase; plus strand). Cytogenetic location: 1p21.2.
Variant type: single nucleotide variant.
Coding change: c.719A>G on transcript NM_000642.3 (MANE Select); coding-DNA position 719, A replaced by G.
Protein change: p.Asn240Ser; replaces asparagine 240 with serine.
Molecular consequence: missense variant.
Genome position (GRCh38, 1-based): chr1:99,870,454, A>G. VCF-style: chr1-99870454-A-G. GRCh37 (hg19) VCF-style: chr1-100336010-A-G.
Other names: c.719A>G, p.Asn240Ser (NM_000028.3, NM_000643.3, NM_000644.3 and 3 more transcripts); c.671A>G, p.Asn224Ser (NM_000646.3); c.515A>G, p.Asn172Ser (NM_001425328.1, NM_001425329.1); c.341A>G, p.Asn114Ser (NM_001425332.1); short protein forms N224S, N240S, N114S, N172S.
Identifiers: ClinVar variation 940596 (VCV000940596.8), dbSNP rs1336588763, ClinGen allele CA341339463.
Genomic context (GRCh38, chr1:99,870,454, plus strand): 5'-CTTCAGCTGCTAATAGTAAATGGATCCAGGAACATCCAGAATGTGCCTATAATCTTGTGA[A>G]TTCTCCACACTTAAAACCTGCCTGGGTCTTAGACAGAGCACTTTGGCGTTTCTCCTGTGA-3'
Protein context (NP_000633.2, residues 230-250): EHPECAYNLV[Asn240Ser]SPHLKPAWVL